The following is an entry in ClinVar:

ClinVar aggregate classification (germline): Likely pathogenic (1 of 4 stars; one submission).

Submission:

GeneDx
Classification: Likely pathogenic. Last evaluated: 2026-06-16. Review status: criteria provided, single submitter. Criteria: GeneDx Variant Classification Process June 2021. Collection method: clinical testing. Allele origin: germline.
Comment: Frameshift variant predicted to result in protein truncation or nonsense mediated decay in a gene for which loss of function is a known mechanism of disease; Has not been previously published as pathogenic or benign to our knowledge

NM_001145026.2(PTPRQ):c.5775dup (p.Ala1926fs)

Gene: PTPRQ (protein tyrosine phosphatase receptor type Q; plus strand). Cytogenetic location: 12q21.31.
Variant type: Duplication.
Coding change: c.5775dup on transcript NM_001145026.2 (MANE Select); coding-DNA position 5775, one base duplicated (T; older notation c.5775dupT).
Protein change: p.Ala1926fs; shifts the reading frame from alanine 1926.
Molecular consequence: frameshift variant.
Genome position (GRCh38, 1-based): chr12:80,632,280, T duplicated; the last of 5 consecutive T bases (chr12:80,632,276-80,632,280); duplicating any one gives the same sequence. VCF-style (leftmost placement, unchanged base first): chr12-80632275-A-AT. GRCh37 (hg19) VCF-style: chr12-81026054-A-AT.
Other names: short protein forms A1926fs.
Identifiers: ClinVar variation 3363707 (VCV003363707.2).
Genomic context (GRCh38, chr12:80,632,275, plus strand): 5'-GTAGAGATCATTCTTTCCGTCACTTTGTGTATCCTTTCAATAATTCTCCTTGGAACAGCT[A>AT]TTTTTGCATTTGCAAGGTAAGATTTATTTGCGCTTACATTCCAGGATGCTTTATGGGCAT-3'